The following is an entry in ClinVar:

NM_014975.3(MAST1):c.710A>C (p.Asp237Ala)

Genes: MAST1 (microtubule associated serine/threonine kinase 1; plus strand), LOC117125587 (CRISPRi-FlowFISH-validated KLF1 and PRDX2 regulatory element; plus strand). Cytogenetic location: 19p13.13.
Variant type: single nucleotide variant.
Coding change: c.710A>C on transcript NM_014975.3 (MANE Select); coding-DNA position 710, A replaced by C.
Protein change: p.Asp237Ala; replaces aspartic acid 237 with alanine.
Molecular consequence: missense variant.
Genome position (GRCh38, 1-based): chr19:12,847,993, A>C. VCF-style: chr19-12847993-A-C. GRCh37 (hg19) VCF-style: chr19-12958807-A-C.
Other names: short protein forms D237A.
Identifiers: ClinVar variation 4088260 (VCV004088260.1).

ClinVar aggregate classification (germline): Uncertain significance (1 of 4 stars; one submission).

Submission:

GeneDx
Classification: Uncertain significance. Last evaluated: 2025-03-27. Review status: criteria provided, single submitter. Criteria: GeneDx Variant Classification Process June 2021. Collection method: clinical testing. Allele origin: germline. Affected: yes.
Comment: Not observed at significant frequency in large population cohorts (gnomAD); In silico analysis supports that this missense variant has a deleterious effect on protein structure/function; Has not been previously published as pathogenic or benign to our knowledge